The following is an entry in ClinVar:

NM_001122630.2(CDKN1C):c.709G>A (p.Gly237Arg)

Gene: CDKN1C (cyclin dependent kinase inhibitor 1C; minus strand). Cytogenetic location: 11p15.4.
Variant type: single nucleotide variant.
Coding change: c.709G>A on transcript NM_001122630.2 (MANE Select); coding-DNA position 709, G replaced by A.
Protein change: p.Gly237Arg; replaces glycine 237 with arginine.
Molecular consequence: missense variant. On other transcripts: intron variant (1).
Genome position (GRCh38, 1-based): chr11:2,884,748, C>T on the plus strand (G>A on the coding strand, the complement: CDKN1C is on the minus strand). VCF-style: chr11-2884748-C-T. GRCh37 (hg19) VCF-style: chr11-2905978-C-T.
Other names: c.742G>A, p.Gly248Arg (LRG_533t1, NM_000076.2, NM_001362474.2); c.709G>A, p.Gly237Arg (NM_001122631.2); c.255+454G>A (NM_001362475.2); short protein forms G248R, G237R.
Identifiers: ClinVar variation 576366 (VCV000576366.10), dbSNP rs1564929381, ClinGen allele CA379145668.
Genomic context (GRCh38, chr11:2,884,748, plus strand): 5'-ACAGCTTCTTGATCGCCGCGCCGTTGGCGCTGGCGGCCGCGGTGCCGGCCGCGGGACGTC[C>T]CGAAATCCCCGAGTGCAGCTGGTCAGCGAGAGGCTCCTGGCCGCGCTGCCCCTGGTTCGC-3'
Protein context (NP_001116102.1, residues 227-247): LADQLHSGIS[Gly237Arg]RPAAGTAAAS

ClinVar aggregate classification (germline): Uncertain significance. Review status: criteria provided, multiple submitters, no conflicts (2 of 4 stars). 2 submissions from 2 submitters: Uncertain significance (2). Last evaluated 2021-12-03.

Conditions:
Beckwith-Wiedemann syndrome (BWS). Also called: EMG SYNDROME; Exomphalos macroglossia gigantism syndrome. Identifiers: Orphanet 116, MedGen C0004903, MONDO:0007534, OMIM 130650.
IMAGe syndrome. Also called: Intrauterine Growth Restriction, Metaphyseal Dysplasia, Adrenal Hypoplasia Congenita, and Genital Anomalies; Intrauterine growth retardation, metaphyseal dysplasia, adrenal hypoplasia congenita, and genital anomalies. Identifiers: Orphanet 85173, MedGen C1846009, MONDO:0013873, OMIM 614732.

Submissions (2):

Fulgent Genetics
Classification: Uncertain significance for Beckwith-Wiedemann syndrome; IMAGe syndrome. Last evaluated: 2021-12-03. Review status: criteria provided, single submitter. Criteria: ACMG Guidelines, 2015. Collection method: clinical testing. Allele origin: unknown.

Labcorp Genetics (formerly Invitae), Labcorp
Classification: Uncertain significance for Beckwith-Wiedemann syndrome. Last evaluated: 2021-04-05. Review status: criteria provided, single submitter. Criteria: Invitae Variant Classification Sherloc (09022015). Collection method: clinical testing. Allele origin: germline.
Comment: In summary, the available evidence is currently insufficient to determine the role of this variant in disease. Therefore, it has been classified as a Variant of Uncertain Significance. This variant has not been reported in the literature in individuals with CDKN1C-related disease. This variant is not present in population databases (ExAC no frequency). This sequence change replaces glycine with arginine at codon 248 of the CDKN1C protein (p.Gly248Arg). The glycine residue is highly conserved and there is a moderate physicochemical difference between glycine and arginine.